The following is an entry in ClinVar:

NM_206933.4(USH2A):c.8846-1G>T

Gene: USH2A (usherin; minus strand). Cytogenetic location: 1q41.
Variant type: single nucleotide variant.
Coding change: c.8846-1G>T on transcript NM_206933.4 (MANE Select); the canonical splice acceptor site of the intron before coding-DNA position 8846, G replaced by T.
Molecular consequence: splice acceptor variant.
Genome position (GRCh38, 1-based): chr1:215,846,034, C>A on the plus strand (G>T on the coding strand, the complement: USH2A is on the minus strand). VCF-style: chr1-215846034-C-A. GRCh37 (hg19) VCF-style: chr1-216019376-C-A.
Identifiers: ClinVar variation 558565 (VCV000558565.10), dbSNP rs771051185, ClinGen allele CA344842267.

ClinVar aggregate classification (germline): Likely pathogenic. Review status: criteria provided, multiple submitters, no conflicts (2 of 4 stars). 6 submissions from 5 submitters: Likely pathogenic (5). 1 of the submissions does not count toward it. Last evaluated 2025-02-15.

Conditions:
USH2A-related disorder. Also called: USH2A-related disorders; USH2A-related condition. Identifiers: MedGen CN239332.
Retinitis pigmentosa (RP). Identifiers: Orphanet 791, MedGen C0035334, MeSH D012174, MONDO:0019200, OMIM 268000. Inheritance: Autosomal dominant, autosomal recessive and X linked inheritance.
Usher syndrome type 2A. Also called: RETINAL DISEASE IN USHER SYNDROME TYPE IIA, MODIFIER OF; USHER SYNDROME, TYPE IIA. Identifiers: Orphanet 231178, Orphanet 886, MedGen C1848634, MONDO:0010169, OMIM 276901.
Retinitis pigmentosa 39 (RP39). Identifiers: Orphanet 791, MedGen C3151138, MONDO:0013436, OMIM 613809.

Allele frequency attached by ClinVar (database versions not stated): gnomAD exomes below 0.00001.
gnomAD v4.1: 3 of 1,613,402 alleles (0.00019%); highest among the groups gnomAD compares: Non-Finnish European, 0.00025%; no homozygotes.

Submissions (6):

Labcorp Genetics (formerly Invitae), Labcorp
Classification: Likely pathogenic. Last evaluated: 2025-02-15. Review status: criteria provided, single submitter. Criteria: Invitae Variant Classification Sherloc (09022015). Collection method: clinical testing. Allele origin: germline.
Comment: This sequence change affects an acceptor splice site in intron 44 of the USH2A gene. It is expected to disrupt RNA splicing. Variants that disrupt the donor or acceptor splice site typically lead to a loss of protein function (PMID: 16199547), and loss-of-function variants in USH2A are known to be pathogenic (PMID: 10729113, 10909849, 20507924, 25649381). This variant is not present in population databases (gnomAD no frequency). Disruption of this splice site has been observed in individual(s) with USH2A-related conditions (PMID: 34906470). ClinVar contains an entry for this variant (Variation ID: 558565). Algorithms developed to predict the effect of sequence changes on RNA splicing suggest that this variant may disrupt the consensus splice site. In summary, the currently available evidence indicates that the variant is pathogenic, but additional data are needed to prove that conclusively. Therefore, this variant has been classified as Likely Pathogenic.

Blueprint Genetics
Classification: Likely pathogenic for USH2A-related disorders. Last evaluated: 2024-06-28. Review status: criteria provided, single submitter. Criteria: ACMG Guidelines, 2015. Collection method: clinical testing. Allele origin: germline. Affected: yes. Observed: 2 variant alleles.

Genome-Nilou Lab
Classification: Likely pathogenic for Retinitis pigmentosa 39. Last evaluated: 2023-04-11. Review status: criteria provided, single submitter. Criteria: ACMG Guidelines, 2015. Collection method: clinical testing. Allele origin: germline. Affected: no.

Genome-Nilou Lab
Classification: Likely pathogenic for Usher syndrome type 2A. Last evaluated: 2023-04-11. Review status: criteria provided, single submitter. Criteria: ACMG Guidelines, 2015. Collection method: clinical testing. Allele origin: germline. Affected: no.

Broad Center for Mendelian Genomics, Broad Institute of MIT and Harvard
Classification: Likely pathogenic for Retinitis pigmentosa. Last evaluated: 2021-04-01. Review status: criteria provided, single submitter. Criteria: ACMG Guidelines, 2015. Collection method: curation. Allele origin: germline. Inheritance: Autosomal recessive inheritance. Affected: yes.
Comment: Through a review of available evidence we were able to apply the following criteria: PVS1, PM2. Based on this evidence we have classified this variant as Likely Pathogenic. If you have any questions about the classification please reach out to the Pierce Lab.

Counsyl
Classification: Likely pathogenic for Usher syndrome type 2A; Retinitis pigmentosa 39. Last evaluated: 2018-05-29. Review status: no assertion criteria provided. Collection method: clinical testing. Allele origin: unknown. Not counted in ClinVar's aggregate classification.

Literature cited by the submitters: PubMed 16199547 (cited by Labcorp Genetics (formerly Invitae), Labcorp); PubMed 10729113 (cited by Labcorp Genetics (formerly Invitae), Labcorp); PubMed 10909849 (cited by Labcorp Genetics (formerly Invitae), Labcorp); PubMed 20507924 (cited by Labcorp Genetics (formerly Invitae), Labcorp); PubMed 25649381 (cited by Labcorp Genetics (formerly Invitae), Labcorp); PubMed 34906470 (cited by Labcorp Genetics (formerly Invitae), Labcorp and Broad Center for Mendelian Genomics, Broad Institute of MIT and Harvard).